The following is an entry in ClinVar:

ClinVar aggregate classification (germline): Conflicting classifications of pathogenicity. Review status: criteria provided, conflicting classifications (1 of 4 stars). 4 submissions from 4 submitters: Uncertain significance (3); Likely benign (1). Last evaluated 2026-08-05.

Conditions:
Supravalvar aortic stenosis (SVAS). Also called: Supravalvar aortic stenosis, Eisenberg type. Identifiers: Orphanet 3193, MedGen C0003499, MONDO:0008504, OMIM 185500, HP:0004381.
Inborn genetic diseases. Identifiers: MedGen C0950123, MeSH D030342.

Allele frequency attached by ClinVar (database versions not stated): gnomAD 0.00002; TOPMed 0.00004; gnomAD exomes 0.00002; ExAC 0.00003.
gnomAD v4.1: 29 of 1,613,916 alleles (0.0018%); highest among the groups gnomAD compares: East Asian, 0.0045%; no homozygotes.

Submissions (4):

GeneDx
Classification: Uncertain significance. Last evaluated: 2026-08-05. Review status: criteria provided, single submitter. Criteria: GeneDx Variant Classification Process June 2021. Collection method: clinical testing. Allele origin: germline.
Comment: Has not been previously published as pathogenic or benign to our knowledge; Not observed at significant frequency in large population cohorts (gnomAD); In silico analysis supports that this missense variant has a deleterious effect on protein structure/function

Ambry Genetics
Classification: Likely benign for Inborn genetic diseases. Last evaluated: 2025-08-30. Review status: criteria provided, single submitter. Criteria: Ambry Variant Classification Scheme 2023. Collection method: clinical testing. Allele origin: germline.

Labcorp Genetics (formerly Invitae), Labcorp
Classification: Uncertain significance for Supravalvar aortic stenosis. Last evaluated: 2024-05-05. Review status: criteria provided, single submitter. Criteria: Invitae Variant Classification Sherloc (09022015). Collection method: clinical testing. Allele origin: germline.
Comment: This sequence change replaces glycine, which is neutral and non-polar, with arginine, which is basic and polar, at codon 752 of the ELN protein (p.Gly752Arg). This variant is present in population databases (rs782238382, gnomAD 0.004%). This variant has not been reported in the literature in individuals affected with ELN-related conditions. ClinVar contains an entry for this variant (Variation ID: 2441208). Advanced modeling of protein sequence and biophysical properties (such as structural, functional, and spatial information, amino acid conservation, physicochemical variation, residue mobility, and thermodynamic stability) performed at Invitae indicates that this missense variant is not expected to disrupt ELN protein function with a negative predictive value of 80%. In summary, the available evidence is currently insufficient to determine the role of this variant in disease. Therefore, it has been classified as a Variant of Uncertain Significance.

Revvity Omics, Revvity
Classification: Uncertain significance. Last evaluated: 2019-09-18. Review status: criteria provided, single submitter. Criteria: ACMG Guidelines, 2015. Collection method: clinical testing. Allele origin: germline.

NM_000501.4(ELN):c.2068G>A (p.Gly690Arg)

Gene: ELN (elastin; plus strand). Cytogenetic location: 7q11.23.
Variant type: single nucleotide variant.
Coding change: c.2068G>A on transcript NM_000501.4 (MANE Select); coding-DNA position 2068, G replaced by A.
Protein change: p.Gly690Arg; replaces glycine 690 with arginine.
Molecular consequence: missense variant. On other transcripts: intron variant (6).
Genome position (GRCh38, 1-based): chr7:74,065,979, G>A. VCF-style: chr7-74065979-G-A. GRCh37 (hg19) VCF-style: chr7-73480309-G-A.
Other names: c.2068G>A (NM_000501.2); c.2011G>A, p.Gly671Arg (NM_001081755.3); c.1825G>A, p.Gly609Arg (NM_001278913.2); c.1996G>A, p.Gly666Arg (NM_001278914.2); c.2086G>A, p.Gly696Arg (NM_001278915.2); c.2038G>A, p.Gly680Arg (NM_001278917.2); c.2254G>A, p.Gly752Arg (NM_001278939.2); c.2047+247G>A (NM_001081754.3); and 5 more; short protein forms G609R, G666R, G671R, G680R, G690R, G696R, G752R.
Identifiers: ClinVar variation 2441208 (VCV002441208.9), dbSNP rs782238382, ClinGen allele CA4293370.